The following is an entry in ClinVar:

ClinVar aggregate classification (germline): Uncertain significance. Review status: criteria provided, multiple submitters, no conflicts (2 of 4 stars). 2 submissions from 2 submitters: Uncertain significance (2). Last evaluated 2025-08-30.

Allele frequency attached by ClinVar (database versions not stated): gnomAD exomes 0.00006; 1000 Genomes Project 30x 0.00047; gnomAD 0.00007; ESP Exome Variant Server 0.00008; 1000 Genomes Project 0.00020; TOPMed 0.00004; ExAC 0.00009.
gnomAD v4.1: 105 of 1,613,916 alleles (0.0065%); highest among the groups gnomAD compares: Middle Eastern, 0.066%; no homozygotes.

Submissions (2):

Ambry Genetics
Classification: Uncertain significance. Last evaluated: 2025-08-30. Review status: criteria provided, single submitter. Criteria: Ambry Variant Classification Scheme 2023. Collection method: clinical testing. Allele origin: germline.

Labcorp Genetics (formerly Invitae), Labcorp
Classification: Uncertain significance. Last evaluated: 2025-06-09. Review status: criteria provided, single submitter. Criteria: Invitae Variant Classification Sherloc (09022015). Collection method: clinical testing. Allele origin: germline.
Comment: This sequence change replaces alanine, which is neutral and non-polar, with valine, which is neutral and non-polar, at codon 485 of the IARS protein (p.Ala485Val). This variant is present in population databases (rs377493419, gnomAD 0.06%). This variant has not been reported in the literature in individuals affected with IARS-related conditions. ClinVar contains an entry for this variant (Variation ID: 2892818). An algorithm developed to predict the effect of missense changes on protein structure and function (PolyPhen-2) suggests that this variant is likely to be tolerated. In summary, the available evidence is currently insufficient to determine the role of this variant in disease. Therefore, it has been classified as a Variant of Uncertain Significance.

NM_002161.6(IARS1):c.1454C>T (p.Ala485Val)

Gene: IARS1 (isoleucyl-tRNA synthetase 1; minus strand). Cytogenetic location: 9q22.31.
Variant type: single nucleotide variant.
Coding change: c.1454C>T on transcript NM_002161.6 (MANE Select); coding-DNA position 1454, C replaced by T.
Protein change: p.Ala485Val; replaces alanine 485 with valine.
Molecular consequence: missense variant. On other transcripts: non-coding transcript variant (1).
Genome position (GRCh38, 1-based): chr9:92,265,531, G>A on the plus strand (C>T on the coding strand, the complement: IARS1 is on the minus strand). VCF-style: chr9-92265531-G-A. GRCh37 (hg19) VCF-style: chr9-95027813-G-A.
Other names: c.1454C>T, p.Ala485Val (NM_001378576.1, NM_001378577.1, NM_001378578.1 and 14 more transcripts); c.1331C>T, p.Ala444Val (NM_001378583.1); c.1517C>T, p.Ala506Val (NM_001378569.1); c.1475C>T, p.Ala492Val (NM_001378571.1); c.1454C>T (NM_013417.2); short protein forms A444V, A506V, A485V, A492V.
Identifiers: ClinVar variation 2892818 (VCV002892818.3), dbSNP rs377493419, ClinGen allele CA5122612.
Genomic context (GRCh38, chr9:92,265,531, plus strand): 5'-GAAACTGACCTCTCTCTGTGGAGATCTGAGATCTTTGCTCCTGACAGTTCTTCAAGTTCC[G>A]CCACTGACCCAATGCATACCACCTGTCAAAAACAAAGTTCAATAGCAGGAGCTCCTTAGA-3'
Protein context (NP_002152.2, residues 475-495): FEEVVCIGSV[Ala485Val]ELEELSGAKI